The following is an entry in ClinVar:

ClinVar aggregate classification (germline): Uncertain significance. Review status: criteria provided, multiple submitters, no conflicts (2 of 4 stars). 3 submissions from 3 submitters: Uncertain significance (3). Last evaluated 2024-12-12.

Conditions:
Familial adenomatous polyposis 1 (FAP1). Also called: FAMILIAL ADENOMATOUS POLYPOSIS 1, ATTENUATED; POLYPOSIS, ADENOMATOUS INTESTINAL. Identifiers: MedGen C2713442, MONDO:0021056, OMIM 175100. Disease mechanism: loss of function.
Hereditary cancer-predisposing syndrome. Also called: Neoplastic Syndromes, Hereditary; Tumor predisposition; Hereditary Cancer Syndrome; Hereditary neoplastic syndrome. Identifiers: Orphanet 140162, MedGen C0027672, MeSH D009386, MONDO:0015356.

Submissions (3):

Labcorp Genetics (formerly Invitae), Labcorp
Classification: Uncertain significance for Familial adenomatous polyposis 1. Last evaluated: 2024-12-12. Review status: criteria provided, single submitter. Criteria: Invitae Variant Classification Sherloc (09022015). Collection method: clinical testing. Allele origin: germline.
Comment: This variant, c.685_686insCGGACATAC, results in the insertion of 3 amino acid(s) of the APC protein (p.Ile228_Leu229insProAspIle), but otherwise preserves the integrity of the reading frame. This variant is not present in population databases (gnomAD no frequency). This variant has not been reported in the literature in individuals affected with APC-related conditions. ClinVar contains an entry for this variant (Variation ID: 485109). In summary, the available evidence is currently insufficient to determine the role of this variant in disease. Therefore, it has been classified as a Variant of Uncertain Significance.

Color Diagnostics, LLC DBA Color Health
Classification: Uncertain significance for Hereditary cancer-predisposing syndrome. Last evaluated: 2021-07-16. Review status: criteria provided, single submitter. Criteria: ACMG Guidelines, 2015. Collection method: clinical testing. Allele origin: germline.
Comment: This variant causes an insertion of three amino acids in the APC protein. To our knowledge, functional studies have not been reported for this variant. This variant has not been reported in individuals affected with hereditary cancer in the literature. This variant has not been identified in the general population by the Genome Aggregation Database (gnomAD). The available evidence is insufficient to determine the role of this variant in disease conclusively. Therefore, this variant is classified as a Variant of Uncertain Significance.

Ambry Genetics
Classification: Uncertain significance for Hereditary cancer-predisposing syndrome. Last evaluated: 2016-01-07. Review status: criteria provided, single submitter. Criteria: Ambry Variant Classification Scheme 2023. Collection method: clinical testing. Allele origin: germline.
Comment: The c.685_686insCGGACATAC variant (also known as p.I228_L229insPDI), located in coding exon 6 of the APC gene, results from an in-frame CGGACATAC insertion between nucleotide positions 685 and 686. This results in the insertion of an extra three residues (P,D,I) between codons 228 and 229. This variant was not reported in population based cohorts in the following databases: Database of Single Nucleotide Polymorphisms (dbSNP), NHLBI Exome Sequencing Project (ESP), and 1000 Genomes Project. In the ESP, this variant was not observed in 6502 samples (13004 alleles) with coverage at this position. To date, this alteration has been detected with an allele frequency of approximately 0.001% (greater than 70000 alleles tested) in our clinical cohort. Since supporting evidence is limited at this time, the clinical significance of c.685_686insCGGACATAC remains unclear.

NM_000038.6(APC):c.685_686insCGGACATAC (p.Ile228_Leu229insProAspIle)

Gene: APC (APC regulator of Wnt signaling pathway; plus strand). Cytogenetic location: 5q22.2.
Variant type: Insertion.
Coding change: c.685_686insCGGACATAC on transcript NM_000038.6 (MANE Select); coding-DNA positions 685 to 686, CGGACATAC inserted.
Protein change: p.Ile228_Leu229insProAspIle.
Molecular consequence: inframe insertion. On other transcripts: 5 prime UTR variant (1), intron variant (2).
Genome position: GRCh38 VCF-style: chr5-112792477-A-AGGACATACC. GRCh37 (hg19) VCF-style: chr5-112128174-A-AGGACATACC.
Other names: c.685_686insCGGACATAC, p.Ile228_Leu229insProAspIle (NM_001127510.3, NM_001354895.2, NM_001354896.2 and 1 more transcripts); c.715_716insCGGACATAC, p.Ile238_Leu239insProAspIle (NM_001354897.2, NM_001354902.2); c.610_611insCGGACATAC, p.Ile203_Leu204insProAspIle (NM_001354898.2, NM_001354904.2); c.508_509insCGGACATAC, p.Ile169_Leu170insProAspIle (NM_001354900.2, NM_001354901.2, NM_001354905.2); c.-351_-350insCGGACATAC (NM_001354906.2); c.676-8794_676-8793insCGGACATAC (NM_001127511.3); c.646-8794_646-8793insCGGACATAC (NM_001354899.2).
Identifiers: ClinVar variation 485109 (VCV000485109.9), dbSNP rs1554074747, ClinGen allele CA658657478.